The following is an entry in ClinVar:

ClinVar aggregate classification (germline): Uncertain significance. Review status: criteria provided, multiple submitters, no conflicts (2 of 4 stars). 3 submissions from 3 submitters: Uncertain significance (3). Last evaluated 2024-01-10.

Conditions:
Hereditary cancer-predisposing syndrome. Also called: Neoplastic Syndromes, Hereditary; Tumor predisposition; Hereditary Cancer Syndrome; Hereditary neoplastic syndrome. Identifiers: Orphanet 140162, MedGen C0027672, MeSH D009386, MONDO:0015356.
Hereditary breast ovarian cancer syndrome. Also called: BRCA1- and BRCA2-Associated Hereditary Breast and Ovarian Cancer; Hereditary breast and ovarian cancer syndrome; Hereditary breast and ovarian cancer; Hereditary breast and ovarian cancer syndrome (HBOC); Breast and ovarian cancer; Hereditary breast and/or ovarian cancer syndrome. Identifiers: Orphanet 145, MedGen C0677776, MeSH D061325, MONDO:0003582. Disease mechanism: loss of function.

Submissions (3):

Labcorp Genetics (formerly Invitae), Labcorp
Classification: Uncertain significance for Hereditary breast ovarian cancer syndrome. Last evaluated: 2024-01-10. Review status: criteria provided, single submitter. Criteria: Invitae Variant Classification Sherloc (09022015). Collection method: clinical testing. Allele origin: germline.
Comment: This sequence change replaces threonine, which is neutral and polar, with isoleucine, which is neutral and non-polar, at codon 3193 of the BRCA2 protein (p.Thr3193Ile). This variant is not present in population databases (gnomAD no frequency). This variant has not been reported in the literature in individuals affected with BRCA2-related conditions. ClinVar contains an entry for this variant (Variation ID: 922690). Advanced modeling of protein sequence and biophysical properties (such as structural, functional, and spatial information, amino acid conservation, physicochemical variation, residue mobility, and thermodynamic stability) performed at Invitae indicates that this missense variant is not expected to disrupt BRCA2 protein function with a negative predictive value of 95%. In summary, the available evidence is currently insufficient to determine the role of this variant in disease. Therefore, it has been classified as a Variant of Uncertain Significance.

Ambry Genetics
Classification: Uncertain significance for Hereditary cancer-predisposing syndrome. Last evaluated: 2022-10-17. Review status: criteria provided, single submitter. Criteria: Ambry Variant Classification Scheme 2023. Collection method: clinical testing. Allele origin: germline.
Comment: The p.T3193I variant (also known as c.9578C>T), located in coding exon 25 of the BRCA2 gene, results from a C to T substitution at nucleotide position 9578. The threonine at codon 3193 is replaced by isoleucine, an amino acid with similar properties. This amino acid position is not well conserved in available vertebrate species. In addition, this alteration is predicted to be tolerated by in silico analysis. Since supporting evidence is limited at this time, the clinical significance of this alteration remains unclear.

Color Diagnostics, LLC DBA Color Health
Classification: Uncertain significance for Hereditary cancer-predisposing syndrome. Last evaluated: 2019-07-24. Review status: criteria provided, single submitter. Criteria: ACMG Guidelines, 2015. Collection method: clinical testing. Allele origin: germline.
Comment: This missense variant replaces threonine with isoleucine at codon 3193 of the BRCA2 protein. Computational prediction tools and conservation analyses are inconclusive regarding the impact of this variant on the protein function. Computational splicing tools suggest that this variant may not impact RNA splicing. To our knowledge, functional assays have not been performed for this variant nor has this variant been reported in individuals affected with hereditary cancer in the literature. This variant has not been identified in the general population by the Genome Aggregation Database (gnomAD). Available evidence is insufficient to determine the role of this variant in disease conclusively. Therefore, this variant is classified as a Variant of Uncertain Significance.

NM_000059.4(BRCA2):c.9578C>T (p.Thr3193Ile)

Gene: BRCA2 (BRCA2 DNA repair associated; plus strand). Cytogenetic location: 13q13.1.
Variant type: single nucleotide variant.
Coding change: c.9578C>T on transcript NM_000059.4 (MANE Select); coding-DNA position 9578, C replaced by T.
Protein change: p.Thr3193Ile; replaces threonine 3193 with isoleucine.
Molecular consequence: missense variant.
Genome position (GRCh38, 1-based): chr13:32,396,974, C>T. VCF-style: chr13-32396974-C-T. GRCh37 (hg19) VCF-style: chr13-32971111-C-T.
Other names: short protein forms T3193I.
Identifiers: ClinVar variation 922690 (VCV000922690.8), dbSNP rs2073041128, ClinGen allele CA387763411.